The following is an entry in ClinVar:

ClinVar aggregate classification (germline): Benign/Likely benign. Review status: criteria provided, multiple submitters, no conflicts (2 of 4 stars). 3 submissions from 3 submitters: Benign (1); Likely benign (2). Last evaluated 2025-05-13.

Allele frequency attached by ClinVar (database versions not stated): gnomAD exomes 0.00146 and 0.00059; ExAC 0.00196; gnomAD 0.00628 and 0.00684; ESP Exome Variant Server 0.00772; 1000 Genomes Project 0.00659; 1000 Genomes Project 30x 0.00921.

Submissions (5):

Mayo Clinic Laboratories, Mayo Clinic
Classification: Likely benign. Last evaluated: 2025-05-13. Review status: criteria provided, single submitter. Criteria: ACMG Guidelines, 2015. Collection method: clinical testing. Allele origin: germline. Observed: 27 variant alleles.
Comment: BS1, BP4_moderate

Genetic Services Laboratory, University of Chicago
Classification: Benign. Last evaluated: 2019-05-14. Review status: criteria provided, single submitter. Criteria: ACMG Guidelines, 2015. Collection method: clinical testing. Allele origin: germline. Affected: no.

Breakthrough Genomics
Classification: Likely benign. Review status: criteria provided, single submitter. Criteria: ACMG Guidelines, 2015. Collection method: not provided. Allele origin: germline. Inheritance: Autosomal recessive inheritance. Affected: yes.

Dr. Peter K. Rogan Lab, Western University
No classification provided (evidence only). Condition: Hepatocellular carcinoma. Review status: no classification provided. Collection method: in vitro. Allele origin: not applicable. Functional consequence: retained intron. Not counted in ClinVar's aggregate classification.

Dr. Peter K. Rogan Lab, Western University
No classification provided (evidence only). Condition: Hepatocellular carcinoma. Review status: no classification provided. Collection method: in vitro. Allele origin: not applicable. Functional consequence: skipped exon, retained intron. Not counted in ClinVar's aggregate classification.

NM_002113.3(CFHR1):c.133G>T (p.Val45Phe)

Gene: CFHR1 (complement factor H related 1; plus strand). Cytogenetic location: 1q31.3.
Variant type: single nucleotide variant.
Coding change: c.133G>T on transcript NM_002113.3 (MANE Select); coding-DNA position 133, G replaced by T.
Protein change: p.Val45Phe; replaces valine 45 with phenylalanine.
Molecular consequence: missense variant. On other transcripts: intron variant (5).
Genome position (GRCh38, 1-based): chr1:196,825,551, G>T. VCF-style: chr1-196825551-G-T. GRCh37 (hg19) VCF-style: chr1-196794681-G-T.
Other names: NC_000001.10:g.196794681G>T; p.Val45Phe; c.82G>T, p.Val28Phe (NM_001379306.1); c.133G>T, p.Val45Phe (NM_001379311.1); c.59-88G>T (NM_001379307.1); c.59-91G>T (NM_001379308.1); c.59-94G>T (NM_001379309.1); c.59-1278G>T (NM_001379310.1); and 1 more; short protein forms V28F, V45F.
Identifiers: ClinVar variation 1336981 (VCV001336981.7), dbSNP rs138970064, ClinGen allele CA1306392.